The following is an entry in ClinVar:

NM_025137.4(SPG11):c.5017T>C (p.Cys1673Arg)

Gene: SPG11 (SPG11 vesicle trafficking associated, spatacsin; minus strand). Cytogenetic location: 15q21.1.
Variant type: single nucleotide variant.
Coding change: c.5017T>C on transcript NM_025137.4 (MANE Select); coding-DNA position 5017, T replaced by C.
Protein change: p.Cys1673Arg; replaces cysteine 1673 with arginine.
Molecular consequence: missense variant.
Genome position (GRCh38, 1-based): chr15:44,585,740, A>G on the plus strand (T>C on the coding strand, the complement: SPG11 is on the minus strand). VCF-style: chr15-44585740-A-G. GRCh37 (hg19) VCF-style: chr15-44877938-A-G.
Other names: c.5017T>C, p.Cys1673Arg (NM_001160227.2, NM_001411132.1); short protein forms C1673R.
Identifiers: ClinVar variation 2071542 (VCV002071542.4), dbSNP rs1356134167, ClinGen allele CA392223491.

ClinVar aggregate classification (germline): Uncertain significance (1 of 4 stars; one submission).

Conditions:
Hereditary spastic paraplegia 11. Also called: Spastic Paraplegia 11; SPASTIC PARAPLEGIA, AUTOSOMAL RECESSIVE, COMPLICATED, WITH THIN CORPUS CALLOSUM; SPASTIC PARAPLEGIA, AUTOSOMAL RECESSIVE, WITH MENTAL IMPAIRMENT AND THIN CORPUS CALLOSUM; Spastic paraplegia, mental retardation and thin corpus callosum; Nakamura Osame syndrome; Autosomal recessive hereditary spastic paraplegia, mental impairment, and thin corpus callosum. Identifiers: Orphanet 2822, MedGen C1858479, MONDO:0011445, OMIM 604360.

Submission:

Labcorp Genetics (formerly Invitae), Labcorp
Classification: Uncertain significance for Hereditary spastic paraplegia 11. Last evaluated: 2022-02-01. Review status: criteria provided, single submitter. Criteria: Invitae Variant Classification Sherloc (09022015). Collection method: clinical testing. Allele origin: germline.
Comment: In summary, the available evidence is currently insufficient to determine the role of this variant in disease. Therefore, it has been classified as a Variant of Uncertain Significance. Algorithms developed to predict the effect of missense changes on protein structure and function are either unavailable or do not agree on the potential impact of this missense change (SIFT: "Tolerated"; PolyPhen-2: "Probably Damaging"; Align-GVGD: "Class C0"). This variant has not been reported in the literature in individuals affected with SPG11-related conditions. This variant is not present in population databases (gnomAD no frequency). This sequence change replaces cysteine, which is neutral and slightly polar, with arginine, which is basic and polar, at codon 1673 of the SPG11 protein (p.Cys1673Arg).